The following is an entry in ClinVar:

NM_007294.4(BRCA1):c.1276T>G (p.Ser426Ala)

Gene: BRCA1 (BRCA1 DNA repair associated; minus strand). Cytogenetic location: 17q21.31.
Variant type: single nucleotide variant.
Coding change: c.1276T>G on transcript NM_007294.4 (MANE Select); coding-DNA position 1276, T replaced by G.
Protein change: p.Ser426Ala; replaces serine 426 with alanine.
Molecular consequence: missense variant. On other transcripts: intron variant (137).
Genome position (GRCh38, 1-based): chr17:43,094,255, A>C on the plus strand (T>G on the coding strand, the complement: BRCA1 is on the minus strand). VCF-style: chr17-43094255-A-C. GRCh37 (hg19) VCF-style: chr17-41246272-A-C.
Other names: c.1063T>G, p.Ser355Ala (NM_001407571.1, NM_001407853.1, NM_001407894.1 and 9 more transcripts); c.1276T>G, p.Ser426Ala (NM_001407581.1, NM_001407582.1, NM_001407583.1 and 30 more transcripts); c.1273T>G, p.Ser425Ala (NM_001407587.1, NM_001407590.1, NM_001407591.1 and 22 more transcripts); c.1267T>G, p.Ser423Ala (NM_001407646.1, NM_001407647.1); c.1153T>G, p.Ser385Ala (NM_001407648.1, NM_001407664.1, NM_001407665.1 and 19 more transcripts); c.1150T>G, p.Ser384Ala (NM_001407649.1, NM_001407670.1, NM_001407671.1 and 11 more transcripts); c.1198T>G, p.Ser400Ala (NM_001407653.1, NM_001407654.1, NM_001407655.1 and 4 more transcripts); c.1195T>G, p.Ser399Ala (NM_001407659.1, NM_001407660.1, NM_001407661.1 and 1 more transcripts); and 40 more; short protein forms S258A, S337A, S355A, S358A, S359A, S399A, S423A, S338A.
Identifiers: ClinVar variation 2162354 (VCV002162354.7), dbSNP rs1567800197, ClinGen allele CA10599503.

ClinVar aggregate classification (germline): Conflicting classifications of pathogenicity. Review status: criteria provided, conflicting classifications (1 of 4 stars). 3 submissions from 3 submitters: Uncertain significance (2); Likely benign (1). Last evaluated 2025-09-10.

Conditions:
Hereditary breast ovarian cancer syndrome. Also called: Hereditary breast and/or ovarian cancer syndrome; BRCA1- and BRCA2-Associated Hereditary Breast and Ovarian Cancer; Hereditary breast and ovarian cancer syndrome; Hereditary breast and ovarian cancer syndrome (HBOC); Hereditary breast and ovarian cancer; Breast and ovarian cancer. Identifiers: Orphanet 145, MedGen C0677776, MeSH D061325, MONDO:0003582. Disease mechanism: loss of function.
Hereditary cancer-predisposing syndrome. Also called: Hereditary Cancer Syndrome; Neoplastic Syndromes, Hereditary; Tumor predisposition; Hereditary neoplastic syndrome. Identifiers: Orphanet 140162, MedGen C0027672, MeSH D009386, MONDO:0015356.

Submissions (3):

Ambry Genetics
Classification: Uncertain significance for Hereditary cancer-predisposing syndrome. Last evaluated: 2025-09-10. Review status: criteria provided, single submitter. Criteria: Ambry Variant Classification Scheme 2023. Collection method: clinical testing. Allele origin: germline.
Comment: The p.S426A variant (also known as c.1276T>G), located in coding exon 9 of the BRCA1 gene, results from a T to G substitution at nucleotide position 1276. The serine at codon 426 is replaced by alanine, an amino acid with similar properties. This amino acid position is conserved. In addition, the in silico prediction for this alteration is inconclusive. Based on the available evidence, the clinical significance of this variant remains unclear.

University of Washington Department of Laboratory Medicine, University of Washington
Classification: Likely benign for Hereditary cancer-predisposing syndrome. Last evaluated: 2023-03-23. Review status: criteria provided, single submitter. Criteria: Dines et al. (Genet Med. 2020). Collection method: curation. Allele origin: germline.
Comment: Missense variant in a coldspot region where missense variants are very unlikely to be pathogenic (PMID:31911673).

BRCA1 coldspot (exon 11 using historical exon numbering). Reclassification based on statistical prior probability

Labcorp Genetics (formerly Invitae), Labcorp
Classification: Uncertain significance for Hereditary breast ovarian cancer syndrome. Last evaluated: 2023-01-31. Review status: criteria provided, single submitter. Criteria: Invitae Variant Classification Sherloc (09022015). Collection method: clinical testing. Allele origin: germline.
Comment: This sequence change replaces serine, which is neutral and polar, with alanine, which is neutral and non-polar, at codon 426 of the BRCA1 protein (p.Ser426Ala). This variant is not present in population databases (gnomAD no frequency). This variant has not been reported in the literature in individuals affected with BRCA1-related conditions. Advanced modeling of protein sequence and biophysical properties (such as structural, functional, and spatial information, amino acid conservation, physicochemical variation, residue mobility, and thermodynamic stability) performed at Invitae indicates that this missense variant is not expected to disrupt BRCA1 protein function. In summary, the available evidence is currently insufficient to determine the role of this variant in disease. Therefore, it has been classified as a Variant of Uncertain Significance.